The following is an entry in ClinVar:

ClinVar aggregate classification (germline): Uncertain significance (1 of 4 stars; one submission).

Submission:

Labcorp Genetics (formerly Invitae), Labcorp
Classification: Uncertain significance. Last evaluated: 2021-04-24. Review status: criteria provided, single submitter. Criteria: Invitae Variant Classification Sherloc (09022015). Collection method: clinical testing. Allele origin: germline.
Comment: In summary, the available evidence is currently insufficient to determine the role of this variant in disease. Therefore, it has been classified as a Variant of Uncertain Significance. Advanced modeling of protein sequence and biophysical properties (such as structural, functional, and spatial information, amino acid conservation, physicochemical variation, residue mobility, and thermodynamic stability) performed at Invitae indicates that this missense variant is not expected to disrupt FAT4 protein function. This variant has not been reported in the literature in individuals with FAT4-related conditions. This variant is not present in population databases (ExAC no frequency). This sequence change replaces valine with phenylalanine at codon 134 of the FAT4 protein (p.Val134Phe). The valine residue is highly conserved and there is a small physicochemical difference between valine and phenylalanine.

NM_001291303.3(FAT4):c.400G>T (p.Val134Phe)

Gene: FAT4 (FAT atypical cadherin 4; plus strand). Cytogenetic location: 4q28.1.
Variant type: single nucleotide variant.
Coding change: c.400G>T on transcript NM_001291303.3 (MANE Select); coding-DNA position 400, G replaced by T.
Protein change: p.Val134Phe; replaces valine 134 with phenylalanine.
Molecular consequence: missense variant.
Genome position (GRCh38, 1-based): chr4:125,316,811, G>T. VCF-style: chr4-125316811-G-T. GRCh37 (hg19) VCF-style: chr4-126237966-G-T.
Other names: c.400G>T, p.Val134Phe (NM_001291285.3, NM_024582.6); short protein forms V134F.
Identifiers: ClinVar variation 1490761 (VCV001490761.8), dbSNP rs1560751923, ClinGen allele CA358115716.